The following is an entry in ClinVar:

NM_004984.4(KIF5A):c.2024-8T>G

Gene: KIF5A (kinesin family member 5A; plus strand). Cytogenetic location: 12q13.3.
Variant type: single nucleotide variant.
Coding change: c.2024-8T>G on transcript NM_004984.4 (MANE Select); 8 bases into the intron before coding-DNA position 2024, T replaced by G.
Molecular consequence: intron variant.
Genome position (GRCh38, 1-based): chr12:57,576,079, T>G. VCF-style: chr12-57576079-T-G. GRCh37 (hg19) VCF-style: chr12-57969862-T-G.
Other names: c.1757-8T>G (NM_001354705.2).
Identifiers: ClinVar variation 880713 (VCV000880713.11), dbSNP rs190187837, ClinGen allele CA6652985.

ClinVar aggregate classification (germline): Benign/Likely benign. Review status: criteria provided, multiple submitters, no conflicts (2 of 4 stars). 2 submissions from 2 submitters: Benign (1); Likely benign (1). Last evaluated 2025-04-07.

Conditions:
Spastic paraplegia. Identifiers: MedGen C0037772, HP:0001258.
Hereditary spastic paraplegia 10 (SPG10). Also called: SPASTIC PARAPLEGIA 10 WITH OR WITHOUT PERIPHERAL NEUROPATHY; SPASTIC PARAPLEGIA 10 WITH PERIPHERAL NEUROPATHY; SPASTIC PARAPLEGIA 10, AUTOSOMAL DOMINANT. Identifiers: Orphanet 100991, MedGen C1858712, MONDO:0011408, OMIM 604187.

Allele frequency attached by ClinVar (database versions not stated): gnomAD 0.00001; ExAC 0.00002; gnomAD exomes 0.00002; TOPMed 0.00006; 1000 Genomes Project 30x 0.00016; 1000 Genomes Project 0.00020.
gnomAD v4.1: 12 of 1,613,968 alleles (0.00074%); highest among the groups gnomAD compares: East Asian, 0.027%; no homozygotes.

Submissions (2):

Labcorp Genetics (formerly Invitae), Labcorp
Classification: Likely benign for Spastic paraplegia. Last evaluated: 2025-04-07. Review status: criteria provided, single submitter. Criteria: Invitae Variant Classification Sherloc (09022015). Collection method: clinical testing. Allele origin: germline.

Illumina Laboratory Services, Illumina
Classification: Benign for Hereditary spastic paraplegia 10. Last evaluated: 2018-04-20. Review status: criteria provided, single submitter. Criteria: ICSL Variant Classification Criteria 13 December 2019. Collection method: clinical testing. Allele origin: germline.
Comment: This variant was observed in the ICSL laboratory as part of a predisposition screen in an ostensibly healthy population. It had not been previously curated by ICSL or reported in the Human Gene Mutation Database (HGMD: prior to June 1st, 2018), and was therefore a candidate for classification through an automated scoring system. Utilizing variant allele frequency, disease prevalence and penetrance estimates, and inheritance mode, an automated score was calculated to assess if this variant is too frequent to cause the disease. Based on the score and internal cut-off values, a variant classified as benign is not then subjected to further curation. The score for this variant resulted in a classification of benign for this disease.